The following is an entry in ClinVar:

ClinVar aggregate classification (germline): Uncertain significance (1 of 4 stars; one submission).

Conditions:
Epilepsy, X-linked 1, with variable learning disabilities and behavior disorders. Also called: X-linked epilepsy-learning disabilities-behavior disorders syndrome. Identifiers: Orphanet 85294, MedGen C5774177, MONDO:0010339, OMIM 300491.

Allele frequency attached by ClinVar (database versions not stated): gnomAD exomes 0.00001.
gnomAD v4.1: 14 of 1,197,981 alleles (0.0012%); highest among the groups gnomAD compares: Non-Finnish European, 0.0015%; no homozygotes.

Submission:

Labcorp Genetics (formerly Invitae), Labcorp
Classification: Uncertain significance for Epilepsy, X-linked 1, with variable learning disabilities and behavior disorders. Last evaluated: 2024-02-23. Review status: criteria provided, single submitter. Criteria: Invitae Variant Classification Sherloc (09022015). Collection method: clinical testing. Allele origin: germline.
Comment: This sequence change replaces glycine, which is neutral and non-polar, with alanine, which is neutral and non-polar, at codon 73 of the SYN1 protein (p.Gly73Ala). This variant is present in population databases (no rsID available, gnomAD 0.002%). This variant has not been reported in the literature in individuals affected with SYN1-related conditions. ClinVar contains an entry for this variant (Variation ID: 1432464). An algorithm developed to predict the effect of missense changes on protein structure and function (PolyPhen-2) suggests that this variant is likely to be tolerated. In summary, the available evidence is currently insufficient to determine the role of this variant in disease. Therefore, it has been classified as a Variant of Uncertain Significance.

NM_006950.3(SYN1):c.218G>C (p.Gly73Ala)

Gene: SYN1 (synapsin I; minus strand). Cytogenetic location: Xp11.23.
Variant type: single nucleotide variant.
Coding change: c.218G>C on transcript NM_006950.3 (MANE Select); coding-DNA position 218, G replaced by C.
Protein change: p.Gly73Ala; replaces glycine 73 with alanine.
Molecular consequence: missense variant.
Genome position (GRCh38, 1-based): chrX:47,619,511, C>G on the plus strand (G>C on the coding strand, the complement: SYN1 is on the minus strand). VCF-style: chrX-47619511-C-G. GRCh37 (hg19) VCF-style: chrX-47478910-C-G.
Other names: c.218G>C, p.Gly73Ala (NM_133499.2); short protein forms G73A.
Identifiers: ClinVar variation 1432464 (VCV001432464.12), dbSNP rs1183767661, ClinGen allele CA412831888.